The following is an entry in ClinVar:

NM_004415.4(DSP):c.7570A>G (p.Thr2524Ala)

Gene: DSP (desmoplakin; plus strand). Cytogenetic location: 6p24.3.
Variant type: single nucleotide variant.
Coding change: c.7570A>G on transcript NM_004415.4 (MANE Select); coding-DNA position 7570, A replaced by G.
Protein change: p.Thr2524Ala; replaces threonine 2524 with alanine.
Molecular consequence: missense variant.
Genome position (GRCh38, 1-based): chr6:7,584,832, A>G. VCF-style: chr6-7584832-A-G. GRCh37 (hg19) VCF-style: chr6-7585065-A-G.
Other names: c.5773A>G, p.Thr1925Ala (NM_001008844.3); c.6241A>G, p.Thr2081Ala (NM_001319034.2); short protein forms T1925A, T2081A, T2524A.
Identifiers: ClinVar variation 3767930 (VCV003767930.1).

ClinVar aggregate classification (germline): Uncertain significance (1 of 4 stars; one submission).

Conditions:
Cardiovascular phenotype. Identifiers: MedGen CN230736.

Submission:

Molecular Diagnostic Laboratory for Inherited Cardiovascular Disease, Montreal Heart Institute
Classification: Uncertain significance for Cardiovascular phenotype. Last evaluated: 2025-02-17. Review status: criteria provided, single submitter. Criteria: ACMG Guidelines, 2015. Collection method: clinical testing. Allele origin: germline. Affected: yes.
Comment: PM2